The following is an entry in ClinVar:

NM_001220.5(CAMK2B):c.1845C>T (p.Ala615=)

Gene: CAMK2B (calcium/calmodulin dependent protein kinase II beta; minus strand). Cytogenetic location: 7p13.
Variant type: single nucleotide variant.
Coding change: c.1845C>T on transcript NM_001220.5 (MANE Select); coding-DNA position 1845, C replaced by T.
Protein change: p.Ala615=; no amino-acid change (alanine 615 retained).
Molecular consequence: synonymous variant.
Genome position (GRCh38, 1-based): chr7:44,220,218, G>A on the plus strand (C>T on the coding strand, the complement: CAMK2B is on the minus strand). VCF-style: chr7-44220218-G-A. GRCh37 (hg19) VCF-style: chr7-44259817-G-A.
Other names: c.1473C>T, p.Ala491= (NM_001293170.2, NM_172078.3); c.1401C>T, p.Ala467= (NM_172079.3); c.1398C>T, p.Ala466= (NM_172080.3); c.1356C>T, p.Ala452= (NM_172081.3); c.1323C>T, p.Ala441= (NM_172082.3); c.1284C>T, p.Ala428= (NM_172083.3); c.1194C>T, p.Ala398= (NM_172084.3).
Identifiers: ClinVar variation 3026684 (VCV003026684.22), dbSNP rs2096382728, ClinGen allele CA454608303.

ClinVar aggregate classification (germline): Likely benign (1 of 4 stars; one submission).

Allele frequency attached by ClinVar (database versions not stated): gnomAD 0.00001.
gnomAD v4.1: 1 of 1,613,284 alleles (0.000062%); highest among the groups gnomAD compares: South Asian, 0.0011%; no homozygotes.

Submission:

CeGaT Center for Human Genetics Tuebingen
Classification: Likely benign. Last evaluated: 2023-12-01. Review status: criteria provided, single submitter. Criteria: CeGaT Center For Human Genetics Tuebingen Variant Classification Criteria Version 2. Collection method: clinical testing. Allele origin: germline. Affected: yes. Observed: 1 variant allele.
Comment: CAMK2B: BP4, BP7